The following is an entry in ClinVar:

NM_020791.4(TAOK1):c.2851A>G (p.Met951Val)

Gene: TAOK1 (TAO kinase 1; plus strand). Cytogenetic location: 17q11.2.
Variant type: single nucleotide variant.
Coding change: c.2851A>G on transcript NM_020791.4 (MANE Select); coding-DNA position 2851, A replaced by G.
Protein change: p.Met951Val; replaces methionine 951 with valine.
Molecular consequence: missense variant.
Genome position (GRCh38, 1-based): chr17:29,542,867, A>G. VCF-style: chr17-29542867-A-G. GRCh37 (hg19) VCF-style: chr17-27869885-A-G.
Other names: c.2407A>G, p.Met803Val (NM_025142.1); short protein forms M803V, M951V.
Identifiers: ClinVar variation 1213762 (VCV001213762.2), dbSNP rs780626019, ClinGen allele CA8474929.

ClinVar aggregate classification (germline): Uncertain significance. Review status: criteria provided, multiple submitters, no conflicts (2 of 4 stars). 2 submissions from 2 submitters: Uncertain significance (2). Last evaluated 2025-12-16.

Conditions:
Inborn genetic diseases. Identifiers: MedGen C0950123, MeSH D030342.

Allele frequency attached by ClinVar (database versions not stated): gnomAD exomes 0.00001 and 0.00003; TOPMed 0.00001; ExAC 0.00003.
gnomAD v4.1: 17 of 1,614,114 alleles (0.0011%); highest among the groups gnomAD compares: Admixed American, 0.0033%; no homozygotes.

Submissions (2):

Ambry Genetics
Classification: Uncertain significance for Inborn genetic diseases. Last evaluated: 2025-12-16. Review status: criteria provided, single submitter. Criteria: Ambry Variant Classification Scheme 2023. Collection method: clinical testing. Allele origin: germline.

New York Genome Center
Classification: Uncertain significance. Last evaluated: 2020-07-24. Review status: criteria provided, single submitter. Criteria: NYGC Assertion Criteria 2020. Collection method: clinical testing. Allele origin: inherited. Affected: yes. Observed: 1 heterozygote. Study: CSER-NYCKidSeq.
Comment: The inherited c.2851A>G (p.Met951Val) variant identified in the TAOK1 gene substitutes a well conserved Methionine for Valine at amino acid 951/1002 (exon 20/20). This variant is absent from gnomAD(v3.0) suggesting it is not a common benign variant in the populations represented in that database. In silico algorithms predict this variant to be Neutral (Provean; score:-0.4) and Tolerated (SIFT; score:0.188) to the function of the canonical transcript. This variant is absent from ClinVar and to our current knowledge has not been reported in affected individuals in the literature. The p.Met951 residue is not within a mapped domain of TAOK1 (UniProtKB:Q7L7X3). Given the lack of compelling evidence for its pathogenicity, the inherited c.2851A>G (p.Met951Val) variant identified in the TAOK1 gene is reported as a Variant of Uncertain Significance.